The following is an entry in ClinVar:

ClinVar aggregate classification (germline): Uncertain significance (1 of 4 stars; one submission).

Submission:

GeneDx
Classification: Uncertain significance. Last evaluated: 2025-11-08. Review status: criteria provided, single submitter. Criteria: GeneDx Variant Classification Process June 2021. Collection method: clinical testing. Allele origin: germline.
Comment: Not observed at significant frequency in large population cohorts (gnomAD); In silico analysis suggests that this missense variant does not alter protein structure/function; Has not been previously published as pathogenic or benign to our knowledge

NM_000165.5(GJA1):c.643G>T (p.Val215Leu)

Gene: GJA1 (gap junction protein alpha 1; plus strand). Cytogenetic location: 6q22.31.
Variant type: single nucleotide variant.
Coding change: c.643G>T on transcript NM_000165.5 (MANE Select); coding-DNA position 643, G replaced by T.
Protein change: p.Val215Leu; replaces valine 215 with leucine.
Molecular consequence: missense variant.
Genome position (GRCh38, 1-based): chr6:121,447,490, G>T. VCF-style: chr6-121447490-G-T. GRCh37 (hg19) VCF-style: chr6-121768636-G-T.
Other names: short protein forms V215L.
Identifiers: ClinVar variation 2504787 (VCV002504787.2), dbSNP rs1390364475, ClinGen allele CA365559472.